The following is an entry in ClinVar:

NM_004484.4(GPC3):c.1096C>T (p.Leu366Phe)

Gene: GPC3 (glypican 3; minus strand). Cytogenetic location: Xq26.2.
Variant type: single nucleotide variant.
Coding change: c.1096C>T on transcript NM_004484.4 (MANE Select); coding-DNA position 1096, C replaced by T.
Protein change: p.Leu366Phe; replaces leucine 366 with phenylalanine.
Molecular consequence: missense variant.
Genome position (GRCh38, 1-based): chrX:133,699,965, G>A on the plus strand (C>T on the coding strand, the complement: GPC3 is on the minus strand). VCF-style: chrX-133699965-G-A. GRCh37 (hg19) VCF-style: chrX-132833993-G-A.
Other names: c.1165C>T, p.Leu389Phe (NM_001164617.2); c.1048C>T, p.Leu350Phe (NM_001164618.2); c.934C>T, p.Leu312Phe (NM_001164619.2); c.1096C>T (NM_004484.3); short protein forms L366F, L350F, L312F, L389F.
Identifiers: ClinVar variation 1404970 (VCV001404970.9), dbSNP rs2124437551, ClinGen allele CA414699819.

ClinVar aggregate classification (germline): Uncertain significance. Review status: criteria provided, multiple submitters, no conflicts (2 of 4 stars). 2 submissions from 2 submitters: Uncertain significance (2). Last evaluated 2024-12-26.

Conditions:
Wilms tumor 1 (WT1). Also called: Wilms tumor, somatic. Identifiers: Orphanet 654, MedGen CN033288, MONDO:0008679, OMIM 194070.

Submissions (2):

GeneDx
Classification: Uncertain significance. Last evaluated: 2024-12-26. Review status: criteria provided, single submitter. Criteria: GeneDx Variant Classification Process June 2021. Collection method: clinical testing. Allele origin: germline. Affected: yes.
Comment: Not observed at significant frequency in large population cohorts (gnomAD); In silico analysis indicates that this missense variant does not alter protein structure/function; Has not been previously published as pathogenic or benign to our knowledge

Labcorp Genetics (formerly Invitae), Labcorp
Classification: Uncertain significance for Wilms tumor 1. Last evaluated: 2022-01-12. Review status: criteria provided, single submitter. Criteria: Invitae Variant Classification Sherloc (09022015). Collection method: clinical testing. Allele origin: germline.
Comment: Algorithms developed to predict the effect of missense changes on protein structure and function (SIFT, PolyPhen-2, Align-GVGD) all suggest that this variant is likely to be tolerated. This variant has not been reported in the literature in individuals affected with GPC3-related conditions. This variant is not present in population databases (gnomAD no frequency). This sequence change replaces leucine, which is neutral and non-polar, with phenylalanine, which is neutral and non-polar, at codon 366 of the GPC3 protein (p.Leu366Phe). In summary, the available evidence is currently insufficient to determine the role of this variant in disease. Therefore, it has been classified as a Variant of Uncertain Significance.